The following is an entry in ClinVar:

NM_006946.4(SPTBN2):c.6536G>A (p.Arg2179Gln)

Gene: SPTBN2 (spectrin beta, non-erythrocytic 2; minus strand). Cytogenetic location: 11q13.2.
Variant type: single nucleotide variant.
Coding change: c.6536G>A on transcript NM_006946.4 (MANE Select); coding-DNA position 6536, G replaced by A.
Protein change: p.Arg2179Gln; replaces arginine 2179 with glutamine.
Molecular consequence: missense variant.
Genome position (GRCh38, 1-based): chr11:66,687,613, C>T on the plus strand (G>A on the coding strand, the complement: SPTBN2 is on the minus strand). VCF-style: chr11-66687613-C-T. GRCh37 (hg19) VCF-style: chr11-66455084-C-T.
Other names: p.Arg2179Gln; c.6536G>A (NM_006946.3); short protein forms R2179Q.
Identifiers: ClinVar variation 930559 (VCV000930559.13), dbSNP rs759206588, ClinGen allele CA6127864.
Genomic context (GRCh38, chr11:66,687,613, plus strand): 5'-GACCTGCTCTGGGGCATTGCAGATGGGGCCGGGCCCCGAGTCCGGGTCTGCCTCTCTCCC[C>T]GGGGCCCATTGGCTTCGTCCCCTGAGCCAGGTCCCTGGGGGGGAATCAGTGTCAGTGTCA-3'
Protein context (NP_008877.2, residues 2169-2189): PGSGDEANGP[Arg2179Gln]GERQTRTRGP

ClinVar aggregate classification (germline): Conflicting classifications of pathogenicity. Review status: criteria provided, conflicting classifications (1 of 4 stars). 5 submissions from 5 submitters: Uncertain significance (3); Likely benign (2). Last evaluated 2025-10-02.

Conditions:
Inborn genetic diseases. Identifiers: MedGen C0950123, MeSH D030342.
Spinocerebellar ataxia type 5 (SCA5). Identifiers: Orphanet 98766, MedGen C0752123, MONDO:0010848, OMIM 600224.

Allele frequency attached by ClinVar (database versions not stated): gnomAD 0.00002; TOPMed 0.00003; gnomAD exomes 0.00004; ExAC 0.00005.
gnomAD v4.1: 36 of 1,605,130 alleles (0.0022%); highest among the groups gnomAD compares: South Asian, 0.0099%; no homozygotes.

Submissions (5):

Labcorp Genetics (formerly Invitae), Labcorp
Classification: Likely benign. Last evaluated: 2025-10-02. Review status: criteria provided, single submitter. Criteria: Invitae Variant Classification Sherloc (09022015). Collection method: clinical testing. Allele origin: germline.

Ambry Genetics
Classification: Uncertain significance for Inborn genetic diseases. Last evaluated: 2025-01-07. Review status: criteria provided, single submitter. Criteria: Ambry Variant Classification Scheme 2023. Collection method: clinical testing. Allele origin: germline.

Mayo Clinic Laboratories, Mayo Clinic
Classification: Uncertain significance. Last evaluated: 2024-07-24. Review status: criteria provided, single submitter. Criteria: ACMG Guidelines, 2015. Collection method: clinical testing. Allele origin: germline. Observed: 1 variant allele.
Comment: BP4

Athena Diagnostics
Classification: Likely benign. Last evaluated: 2024-06-12. Review status: criteria provided, single submitter. Criteria: Athena Diagnostics Criteria. Collection method: clinical testing. Allele origin: unknown.

Centre for Mendelian Genomics, University Medical Centre Ljubljana
Classification: Uncertain significance for Spinocerebellar ataxia type 5. Last evaluated: 2019-08-22. Review status: criteria provided, single submitter. Criteria: ACMG Guidelines, 2015. Collection method: clinical testing. Allele origin: unknown. Affected: yes.
Comment: This variant was classified as: Uncertain significance. The available evidence on this variant's pathogenicity is insufficient or conflicting. The following ACMG criteria were applied in classifying this variant: PM2,BP4.